The following is an entry in ClinVar:

ClinVar aggregate classification (germline): Benign/Likely benign. Review status: criteria provided, multiple submitters, no conflicts (2 of 4 stars). 5 submissions from 5 submitters: Benign (1); Likely benign (4). Last evaluated 2026-01-14.

Conditions:
Cardiovascular phenotype. Identifiers: MedGen CN230736.

Allele frequency attached by ClinVar (database versions not stated): ESP Exome Variant Server 0.00017; gnomAD 0.00021 and 0.00022; ExAC 0.00023; gnomAD exomes 0.00023 and 0.00032; TOPMed 0.00026.

Submissions (5):

Labcorp Genetics (formerly Invitae), Labcorp
Classification: Benign. Last evaluated: 2026-01-14. Review status: criteria provided, single submitter. Criteria: Invitae Variant Classification Sherloc (09022015). Collection method: clinical testing. Allele origin: germline.

CeGaT Center for Human Genetics Tuebingen
Classification: Likely benign. Last evaluated: 2025-09-01. Review status: criteria provided, single submitter. Criteria: CeGaT Center For Human Genetics Tuebingen Variant Classification Criteria Version 2. Collection method: clinical testing. Allele origin: germline. Affected: yes. Observed: 2 variant alleles.
Comment: TBX20: PP3, BS1

Blueprint Genetics
Classification: Likely benign. Last evaluated: 2024-09-13. Review status: criteria provided, single submitter. Criteria: ACMG Guidelines, 2015. Collection method: clinical testing. Allele origin: germline.

Ambry Genetics
Classification: Likely benign for Cardiovascular phenotype. Last evaluated: 2023-01-30. Review status: criteria provided, single submitter. Criteria: Ambry Variant Classification Scheme 2023. Collection method: clinical testing. Allele origin: germline.

GeneDx
Classification: Likely benign. Last evaluated: 2021-05-28. Review status: criteria provided, single submitter. Criteria: GeneDx Variant Classification Process June 2021. Collection method: clinical testing. Allele origin: germline. Affected: yes.
Comment: Identified in a patient with a cardiac left-sided lesion and in four individuals from an exome cohort not known to have cardiac disease (Li et al., 2017); Reported in ClinVar but additional evidence is not available (ClinVar Variant ID# 518384; Landrum et al., 2016); In silico analysis, which includes protein predictors and evolutionary conservation, supports a deleterious effect; This variant is associated with the following publications: (PMID: 29089047, 28049825, 33585493, 27535533, 19762328, 18834961, 25834824, 26118961, 17668378, 28573431, 28274167, 27510170)

Literature cited by the submitters: PubMed 28049825 (cited by Ambry Genetics); PubMed 29089047 (cited by Ambry Genetics); PubMed 34426522 (cited by Ambry Genetics).

NM_001077653.2(TBX20):c.931C>T (p.Arg311Cys)

Gene: TBX20 (T-box transcription factor 20; minus strand). Cytogenetic location: 7p14.2.
Variant type: single nucleotide variant.
Coding change: c.931C>T on transcript NM_001077653.2 (MANE Select); coding-DNA position 931, C replaced by T.
Protein change: p.Arg311Cys; replaces arginine 311 with cysteine.
Molecular consequence: missense variant.
Genome position (GRCh38, 1-based): chr7:35,204,542, G>A on the plus strand (C>T on the coding strand, the complement: TBX20 is on the minus strand). VCF-style: chr7-35204542-G-A. GRCh37 (hg19) VCF-style: chr7-35244154-G-A.
Other names: c.931C>T, p.Arg311Cys (LRG_755t1); short protein forms R311C.
Identifiers: ClinVar variation 518384 (VCV000518384.43), dbSNP rs199774220, ClinGen allele CA4217387.